The following is an entry in ClinVar:

ClinVar aggregate classification (germline): Likely benign (0 of 4 stars; one submission).

Conditions:
SEMA3G-related disorder. Also called: SEMA3G-related condition.

Submission:

PreventionGenetics, part of Exact Sciences
Classification: Likely benign for SEMA3G-related condition. Last evaluated: 2024-01-23. Review status: no assertion criteria provided. Collection method: clinical testing. Allele origin: germline.
Comment: This variant is classified as likely benign based on ACMG/AMP sequence variant interpretation guidelines (Richards et al. 2015 PMID: 25741868, with internal and published modifications).

NM_020163.3(SEMA3G):c.2133G>A (p.Leu711=)

Gene: SEMA3G (semaphorin 3G; minus strand). Cytogenetic location: 3p21.1.
Variant type: single nucleotide variant.
Coding change: c.2133G>A on transcript NM_020163.3 (MANE Select); coding-DNA position 2133, G replaced by A.
Protein change: p.Leu711=; no amino-acid change (leucine 711 retained).
Molecular consequence: synonymous variant.
Genome position (GRCh38, 1-based): chr3:52,435,819, C>T on the plus strand (G>A on the coding strand, the complement: SEMA3G is on the minus strand). VCF-style: chr3-52435819-C-T. GRCh37 (hg19) VCF-style: chr3-52469835-C-T.
Identifiers: ClinVar variation 3355438 (VCV003355438.1).
Genomic context (GRCh38, chr3:52,435,819, plus strand): 5'-GCACCACACGCGCTCACAGTACTCATCCACCCGGGGCAGGTTGGCGAAGCCAATGAGCTG[C>T]AGGATGTCCTTGTACCAGGCCTTGGGTGGGGTGGAAGCCAGGCCTCCCCGGGCTGGGGGC-3'
Protein context (NP_064548.1, residues 701-721): TPPKAWYKDI[Leu711=]QLIGFANLPR